The following is an entry in ClinVar:

NM_006767.4(LZTR1):c.2499C>G (p.Cys833Trp)

Gene: LZTR1 (leucine zipper like post translational regulator 1; plus strand). Cytogenetic location: 22q11.21.
Variant type: single nucleotide variant.
Coding change: c.2499C>G on transcript NM_006767.4 (MANE Select); coding-DNA position 2499, C replaced by G.
Protein change: p.Cys833Trp; replaces cysteine 833 with tryptophan.
Molecular consequence: missense variant.
Genome position (GRCh38, 1-based): chr22:20,997,324, C>G. VCF-style: chr22-20997324-C-G. GRCh37 (hg19) VCF-style: chr22-21351613-C-G.
Other names: short protein forms C833W.
Identifiers: ClinVar variation 1792159 (VCV001792159.2), dbSNP rs746037698, ClinGen allele CA410781922.
Genomic context (GRCh38, chr22:20,997,324, plus strand): 5'-CCAGCAGCTGCTGCTGGACATCATAGACTCCCTGGCCTCCCACATCTCAGACAAGCAGTG[C>G]GCAGAGCTGGGCGCCGACATCTGAGGCCCTGTGGCGCCTGCCCATTGTGAAGAATCGCCG-3'
Protein context (NP_006758.2, residues 823-840): SLASHISDKQ[Cys833Trp]AELGADI

ClinVar aggregate classification (germline): Uncertain significance (1 of 4 stars; one submission).

Conditions:
Hereditary cancer-predisposing syndrome. Also called: Hereditary Cancer Syndrome; Hereditary neoplastic syndrome; Tumor predisposition; Neoplastic Syndromes, Hereditary. Identifiers: Orphanet 140162, MedGen C0027672, MeSH D009386, MONDO:0015356.
Cardiovascular phenotype. Identifiers: MedGen CN230736.

gnomAD v4.1: 1 of 1,613,432 alleles (0.000062%); highest among the groups gnomAD compares: Non-Finnish European, 0.000085%; no homozygotes.

Submission:

Ambry Genetics
Classification: Uncertain significance for Cardiovascular phenotype; Hereditary cancer-predisposing syndrome. Last evaluated: 2022-10-11. Review status: criteria provided, single submitter. Criteria: Ambry Variant Classification Scheme 2023. Collection method: clinical testing. Allele origin: germline.
Comment: The p.C833W variant (also known as c.2499C>G), located in coding exon 21 of the LZTR1 gene, results from a C to G substitution at nucleotide position 2499. The cysteine at codon 833 is replaced by tryptophan, an amino acid with highly dissimilar properties. This amino acid position is conserved. In addition, the in silico prediction for this alteration is inconclusive. Since supporting evidence is limited at this time, the clinical significance of this alteration remains unclear.